The following is an entry in ClinVar:

NM_004415.4(DSP):c.707A>G (p.Asp236Gly)

Gene: DSP (desmoplakin; plus strand). Cytogenetic location: 6p24.3.
Variant type: single nucleotide variant.
Coding change: c.707A>G on transcript NM_004415.4 (MANE Select); coding-DNA position 707, A replaced by G.
Protein change: p.Asp236Gly; replaces aspartic acid 236 with glycine.
Molecular consequence: missense variant.
Genome position (GRCh38, 1-based): chr6:7,562,761, A>G. VCF-style: chr6-7562761-A-G. GRCh37 (hg19) VCF-style: chr6-7562994-A-G.
Other names: c.707A>G, p.Asp236Gly (NM_001008844.3, NM_001319034.2, NM_001406591.1); short protein forms D236G.
Identifiers: ClinVar variation 4758196 (VCV004758196.1).

ClinVar aggregate classification (germline): Uncertain significance (1 of 4 stars; one submission).

Conditions:
Cardiomyopathy (CMYO). Also called: Cardiomyopathies. Identifiers: Orphanet 167848, MedGen C0878544, MONDO:0004994, HP:0001638. Inheritance: Various modes of inheritance.

gnomAD v4.1: 1 of 1,614,170 alleles (0.000062%); highest among the groups gnomAD compares: African/African-American, 0.0013%; no homozygotes.

Submission:

Color Diagnostics, LLC DBA Color Health
Classification: Uncertain significance for Cardiomyopathy. Last evaluated: 2025-10-27. Review status: criteria provided, single submitter. Criteria: ACMG Guidelines, 2015. Collection method: clinical testing. Allele origin: germline.
Comment: This missense variant replaces aspartic acid with glycine at codon 236 of the DSP protein. Computational prediction suggests that this variant may have deleterious impact on protein structure and function. To our knowledge, functional studies have not been reported for this variant. This variant has not been reported in individuals affected with DSP-related disorders in the literature. This variant has been identified in 1/1461826 chromosomes in the general population by the Genome Aggregation Database (gnomAD). The available evidence is insufficient to determine the role of this variant in disease conclusively. Therefore, this variant is classified as a Variant of Uncertain Significance.